The following is an entry in ClinVar:

ClinVar aggregate classification (germline): Likely pathogenic (1 of 4 stars; one submission).

Conditions:
Epilepsy, familial focal, with variable foci 1 (FFEVF1). Also called: DEPDC5-Related Epilepsy. Identifiers: MedGen C4551983, MONDO:0024556, OMIM 604364.

Submission:

Fundacion Publica Galega de Medicina Xenomica, Servicio Galego de Saude
Classification: Likely pathogenic for Epilepsy, familial focal, with variable foci 1. Last evaluated: 2022-10-21. Review status: criteria provided, single submitter. Criteria: ACMG Guidelines, 2015. Collection method: clinical testing. Allele origin: unknown. Inheritance: Autosomal dominant inheritance. Affected: yes.
Comment: This variant is found in a canonical splicing site and, according to all the computer predictors consulted, it could condition the synthesis and processing of mRNA, resulting in a significantly altered protein due to the omission or shortening of an exon, or the inclusion of intronic material. (PMID 28677221). The generated mRNA could be degraded by the NMD mechanism or translated into an abnormal protein product. Loss of function is a known mechanism of pathogenicity in this gene and genetic variants of this type have been classified as pathogenic. This variant has not been reported in population databases or in the literature in individuals with pathology related to the DEPDC5 gene. The evidence available so far indicates that the variant may be pathogenic, but additional data is needed to prove this conclusively. Therefore, this variant has been classified as probably pathogenic (Class 4).

Literature cited by the submitters: PubMed 28677221.

NM_001242896.3(DEPDC5):c.1445+1G>A

Gene: DEPDC5 (DEP domain containing 5, GATOR1 subcomplex subunit; plus strand). Cytogenetic location: 22q12.3.
Variant type: single nucleotide variant.
Coding change: c.1445+1G>A on transcript NM_001242896.3 (MANE Select); the canonical splice donor site of the intron after coding-DNA position 1445, G replaced by A.
Molecular consequence: splice donor variant.
Genome position (GRCh38, 1-based): chr22:31,810,642, G>A. VCF-style: chr22-31810642-G-A. GRCh37 (hg19) VCF-style: chr22-32206628-G-A.
Other names: c.1445+1G>A (NM_001364318.2, NM_001136029.4, NM_014662.6 and 7 more transcripts); c.1361+1G>A (NM_001369902.1, NM_001369901.1).
Identifiers: ClinVar variation 1711858 (VCV001711858.3), dbSNP rs2088176556, ClinGen allele CA411277100.